The following is an entry in ClinVar:

NM_002291.3(LAMB1):c.498C>A (p.Phe166Leu)

Gene: LAMB1 (laminin subunit beta 1; minus strand). Cytogenetic location: 7q31.1.
Variant type: single nucleotide variant.
Coding change: c.498C>A on transcript NM_002291.3 (MANE Select); coding-DNA position 498, C replaced by A.
Protein change: p.Phe166Leu; replaces phenylalanine 166 with leucine.
Molecular consequence: missense variant.
Genome position (GRCh38, 1-based): chr7:107,986,289, G>T on the plus strand (C>A on the coding strand, the complement: LAMB1 is on the minus strand). VCF-style: chr7-107986289-G-T. GRCh37 (hg19) VCF-style: chr7-107626734-G-T.
Other names: short protein forms F166L.
Identifiers: ClinVar variation 4881369 (VCV004881369.2).

ClinVar aggregate classification (germline): Uncertain significance (1 of 4 stars; one submission).

gnomAD v4.1: 1 of 1,613,932 alleles (0.000062%); highest among the groups gnomAD compares: African/African-American, 0.0013%; no homozygotes.

Submission:

Dasa
Classification: Uncertain significance. Last evaluated: 2025-04-29. Review status: criteria provided, single submitter. Criteria: DASA Assertion Criteria. Collection method: clinical testing. Allele origin: germline.
Comment: NM_002291.3(LAMB1):c.498C>A (p.Phe166Leu) is a missense variant that results in the substitution of phenylalanine with leucine. This variant is rare in population databases. Computational prediction algorithms are consistent with a deleterious effect. The currently available literature and clinical evidence are not sufficient to establish a definitive association between this variant and the reported condition. Therefore, this variant is classified as a variant of uncertain significance.